The following is an entry in ClinVar:

ClinVar aggregate classification (germline): Likely benign (1 of 4 stars; one submission).

Conditions:
DNAH10-related disorder. Also called: DNAH10-related condition.

gnomAD v4.1: 145 of 1,605,254 alleles (0.009%); highest among the groups gnomAD compares: Middle Eastern, 0.033%; no homozygotes.

Submission:

PreventionGenetics, part of Exact Sciences
Classification: Likely benign for DNAH10-related condition. Last evaluated: 2026-05-19. Review status: criteria provided, single submitter. Criteria: ACMG Guidelines, 2015. Collection method: clinical testing. Allele origin: germline.
Comment: This variant is classified as likely benign based on ACMG/AMP sequence variant interpretation guidelines (Richards et al. 2015 PMID: 25741868, with internal and published modifications).

NM_001372106.1(DNAH10):c.13641C>T (p.Pro4547=)

Gene: DNAH10 (dynein axonemal heavy chain 10; plus strand). Cytogenetic location: 12q24.31.
Variant type: single nucleotide variant.
Coding change: c.13641C>T on transcript NM_001372106.1 (MANE Select); coding-DNA position 13641, C replaced by T.
Protein change: p.Pro4547=; no amino-acid change (proline 4547 retained).
Molecular consequence: synonymous variant.
Genome position (GRCh38, 1-based): chr12:123,935,352, C>T. VCF-style: chr12-123935352-C-T. GRCh37 (hg19) VCF-style: chr12-124419899-C-T.
Other names: c.13287C>T, p.Pro4429= (NM_207437.3).
Identifiers: ClinVar variation 4980571 (VCV004980571.1).